The following is an entry in ClinVar:

NM_001267550.2(TTN):c.6292C>G (p.Arg2098Gly)

Gene: TTN (titin; minus strand). Cytogenetic location: 2q31.2.
Variant type: single nucleotide variant.
Coding change: c.6292C>G on transcript NM_001267550.2 (MANE Select); coding-DNA position 6292, C replaced by G.
Protein change: p.Arg2098Gly; replaces arginine 2098 with glycine.
Molecular consequence: missense variant.
Genome position (GRCh38, 1-based): chr2:178,775,572, G>C on the plus strand (C>G on the coding strand, the complement: TTN is on the minus strand). VCF-style: chr2-178775572-G-C. GRCh37 (hg19) VCF-style: chr2-179640299-G-C.
Other names: c.6292C>G, p.Arg2098Gly (NM_001256850.1, NM_133378.4, NM_133379.5); c.6154C>G, p.Arg2052Gly (NM_003319.4, NM_133432.3, NM_133437.4); short protein forms R2098G, R2052G.
Identifiers: ClinVar variation 191144 (VCV000191144.3), dbSNP rs763722868, ClinGen allele CA236108.

ClinVar aggregate classification (germline): Conflicting classifications of pathogenicity. Review status: criteria provided, conflicting classifications (1 of 4 stars). 3 submissions from 3 submitters: Likely pathogenic (1); Uncertain significance (1); Likely benign (1). Last evaluated 2025-04-17.

gnomAD v4.1: 3 of 1,614,014 alleles (0.00019%); highest among the groups gnomAD compares: Admixed American, 0.005%; no homozygotes.

Submissions (3):

Women's Health and Genetics/Laboratory Corporation of America, LabCorp
Classification: Uncertain significance. Last evaluated: 2025-04-17. Review status: criteria provided, single submitter. Criteria: LabCorp Variant Classification Summary - May 2015. Collection method: clinical testing. Allele origin: germline.
Comment: Variant summary: TTN c.6292C>G (p.Arg2098Gly) results in a non-conservative amino acid change in the encoded protein sequence. Three of four in-silico tools predict a damaging effect of the variant on protein function. The variant allele was found at a frequency of 1.2e-05 in 250630 control chromosomes. The available data on variant occurrences in the general population are insufficient to allow any conclusion about variant significance. To our knowledge, no occurrence of c.6292C>G in individuals affected with TTN-related conditions and no experimental evidence demonstrating its impact on protein function have been reported. ClinVar contains an entry for this variant (Variation ID: 191144). Based on the evidence outlined above, the variant was classified as uncertain significance.

Molecular Diagnostic Laboratory for Inherited Cardiovascular Disease, Montreal Heart Institute
Classification: Likely benign. Last evaluated: 2025-04-09. Review status: criteria provided, single submitter. Criteria: ACMG Guidelines, 2015. Collection method: clinical testing. Allele origin: germline. Affected: no.

Genomic Medicine Center of Excellence, King Faisal Specialist Hospital and Research Centre
Classification: Likely pathogenic. Review status: criteria provided, single submitter. Criteria: ACMG Guidelines, 2015. Collection method: research. Allele origin: germline. Affected: yes.